The following is an entry in ClinVar:

ClinVar aggregate classification (germline): Conflicting classifications of pathogenicity. Review status: criteria provided, conflicting classifications (1 of 4 stars). 4 submissions from 4 submitters: Likely pathogenic (1); Uncertain significance (3). Last evaluated 2025-09-26.

Conditions:
NF1-related disorder. Also called: NF1-related condition. Identifiers: MedGen CN379171.
Hereditary cancer-predisposing syndrome. Also called: Hereditary Cancer Syndrome; Tumor predisposition; Hereditary neoplastic syndrome; Neoplastic Syndromes, Hereditary. Identifiers: Orphanet 140162, MedGen C0027672, MeSH D009386, MONDO:0015356.
Cardiovascular phenotype. Identifiers: MedGen CN230736.
Neurofibromatosis, type 1 (NF1). Also called: Neurofibromatosis, type I; NEUROFIBROMATOSIS, TYPE I, SOMATIC; VON RECKLINGHAUSEN DISEASE; Peripheral type neurofibromatosis. Identifiers: Orphanet 636, MedGen C0027831, MONDO:0018975, OMIM 162200. Disease mechanism: loss of function.

Submissions (4):

Ambry Genetics
Classification: Uncertain significance for Cardiovascular phenotype; Hereditary cancer-predisposing syndrome. Last evaluated: 2025-09-26. Review status: criteria provided, single submitter. Criteria: Ambry Variant Classification Scheme 2023. Collection method: clinical testing. Allele origin: germline.
Comment: The p.L1871F variant (also known as c.5613A>T), located in coding exon 38 of the NF1 gene, results from an A to T substitution at nucleotide position 5613. The leucine at codon 1871 is replaced by phenylalanine, an amino acid with highly similar properties. This amino acid position is highly conserved in available vertebrate species. In addition, this alteration is predicted to be deleterious by in silico analysis. Based on the available evidence, the clinical significance of this variant remains unclear.

Quest Diagnostics Nichols Institute San Juan Capistrano
Classification: Uncertain significance. Last evaluated: 2024-03-06. Review status: criteria provided, single submitter. Criteria: Quest Diagnostics criteria. Collection method: clinical testing. Allele origin: unknown.

Blueprint Genetics
Classification: Likely pathogenic for NF1-related disorders. Last evaluated: 2024-01-23. Review status: criteria provided, single submitter. Criteria: ACMG Guidelines, 2015. Collection method: clinical testing. Allele origin: germline. Affected: yes. Observed: 2 variant alleles.

Labcorp Genetics (formerly Invitae), Labcorp
Classification: Uncertain significance for Neurofibromatosis, type 1. Last evaluated: 2023-04-20. Review status: criteria provided, single submitter. Criteria: Invitae Variant Classification Sherloc (09022015). Collection method: clinical testing. Allele origin: germline.
Comment: This sequence change replaces leucine, which is neutral and non-polar, with phenylalanine, which is neutral and non-polar, at codon 1871 of the NF1 protein (p.Leu1871Phe). This variant is not present in population databases (gnomAD no frequency). This missense change has been observed in individual(s) with NF1-related conditions (PMID: 25541118). Advanced modeling of protein sequence and biophysical properties (such as structural, functional, and spatial information, amino acid conservation, physicochemical variation, residue mobility, and thermodynamic stability) performed at Invitae indicates that this missense variant is expected to disrupt NF1 protein function. In summary, the available evidence is currently insufficient to determine the role of this variant in disease. Therefore, it has been classified as a Variant of Uncertain Significance.

Literature cited by the submitters: PubMed 25541118 (cited by Labcorp Genetics (formerly Invitae), Labcorp).

NM_001042492.3(NF1):c.5676A>T (p.Leu1892Phe)

Gene: NF1 (neurofibromin 1; plus strand). Cytogenetic location: 17q11.2.
Variant type: single nucleotide variant.
Coding change: c.5676A>T on transcript NM_001042492.3 (MANE Select); coding-DNA position 5676, A replaced by T.
Protein change: p.Leu1892Phe; replaces leucine 1892 with phenylalanine.
Molecular consequence: missense variant.
Genome position (GRCh38, 1-based): chr17:31,330,362, A>T. VCF-style: chr17-31330362-A-T. GRCh37 (hg19) VCF-style: chr17-29657380-A-T.
Other names: c.5613A>T, p.Leu1871Phe (NM_000267.4); short protein forms L1892F, L1871F.
Identifiers: ClinVar variation 2837692 (VCV002837692.6), dbSNP rs876658130, ClinGen allele CA399010234.